The following is an entry in ClinVar:

ClinVar aggregate classification (germline): Conflicting classifications of pathogenicity. Review status: criteria provided, conflicting classifications (1 of 4 stars). 6 submissions from 5 submitters: Uncertain significance (3); Likely benign (2). 1 of the submissions does not count toward it. Last evaluated 2025-12-15.

Conditions:
Hereditary cancer-predisposing syndrome. Also called: Hereditary Cancer Syndrome; Neoplastic Syndromes, Hereditary; Tumor predisposition; Hereditary neoplastic syndrome. Identifiers: Orphanet 140162, MedGen C0027672, MeSH D009386, MONDO:0015356.
NF1-related disorder. Also called: NF1-related condition. Identifiers: MedGen CN379171.
Cardiovascular phenotype. Identifiers: MedGen CN230736.
Neurofibromatosis, type 1 (NF1). Also called: Neurofibromatosis, type I; VON RECKLINGHAUSEN DISEASE; NEUROFIBROMATOSIS, TYPE I, SOMATIC; Peripheral type neurofibromatosis. Identifiers: Orphanet 636, MedGen C0027831, MONDO:0018975, OMIM 162200. Disease mechanism: loss of function.
Juvenile myelomonocytic leukemia (JMML). Also called: LEUKEMIA, JUVENILE MYELOMONOCYTIC, SOMATIC. Identifiers: Orphanet 86834, MedGen C0349639, MONDO:0011908, OMIM 607785, HP:0012209.

Allele frequency attached by ClinVar (database versions not stated): TOPMed below 0.00001; gnomAD 0.00001; gnomAD exomes 0.00001.
gnomAD v4.1: 11 of 1,612,968 alleles (0.00068%); highest among the groups gnomAD compares: Admixed American, 0.0017%; no homozygotes.

Submissions (6):

Labcorp Genetics (formerly Invitae), Labcorp
Classification: Likely benign for Neurofibromatosis, type 1. Last evaluated: 2025-12-15. Review status: criteria provided, single submitter. Criteria: Invitae Variant Classification Sherloc (09022015). Collection method: clinical testing. Allele origin: germline.

Baylor Genetics
Classification: Uncertain significance for Juvenile myelomonocytic leukemia. Last evaluated: 2024-01-09. Review status: criteria provided, single submitter. Criteria: ACMG Guidelines, 2015. Collection method: clinical testing. Allele origin: unknown.

Ambry Genetics
Classification: Uncertain significance for Cardiovascular phenotype; Hereditary cancer-predisposing syndrome. Last evaluated: 2020-12-11. Review status: criteria provided, single submitter. Criteria: Ambry Variant Classification Scheme 2023. Collection method: clinical testing. Allele origin: germline.

GeneDx
Classification: Likely benign. Last evaluated: 2019-06-12. Review status: criteria provided, single submitter. Criteria: GeneDx Variant Classification Process June 2021. Collection method: clinical testing. Allele origin: germline. Affected: yes.
Comment: Not observed in large population cohorts (Lek et al., 2016); In silico analysis, which includes protein predictors and evolutionary conservation, supports that this variant does not alter protein structure/function; This variant is associated with the following publications: (PMID: 30287823)

Ambry Genetics
Classification: Uncertain significance for Hereditary cancer-predisposing syndrome. Last evaluated: 2015-06-28. Review status: criteria provided, single submitter. Criteria: Ambry Autosomal Dominant and X-Linked criteria (10/2015). Collection method: clinical testing. Allele origin: germline. Observed: 1 variant allele.
Comment: The p.V2436M variant (also known as c.7306G>A), located in coding exon 49 of the NF1 gene, results from a G to A substitution at nucleotide position 7306. The valine at codon 2436 is replaced by methionine, an amino acid with highly similar properties. This variant was not reported in population based cohorts in the following databases: Database of Single Nucleotide Polymorphisms (dbSNP), NHLBI Exome Sequencing Project (ESP), and 1000 Genomes Project. In the ESP, this variant was not observed in 6503 samples (13006 alleles) with coverage at this position. To date, this alteration has been detected with an allele frequency of approximately 0.002% (greater than 55000alleles tested) in our clinical cohort.This amino acid position is well conserved in available vertebrate species. In addition, the in silico prediction for this alteration is inconclusive.Since supporting evidence is limited at this time, the clinical significance of p.V2436Mremains unclear.

PreventionGenetics, part of Exact Sciences
Classification: Uncertain significance for NF1-related condition. Last evaluated: 2024-08-19. Review status: no assertion criteria provided. Collection method: clinical testing. Allele origin: germline. Not counted in ClinVar's aggregate classification.
Comment: The NF1 c.7306G>A variant is predicted to result in the amino acid substitution p.Val2436Met. This variant was reported as a variant of uncertain significance in a Japanese breast cancer study as part of the control population (Supplementary Data 2, Momozawa et al. 2018. PubMed ID: 30287823) and a Japanese biliary tract cancer study as part of the control population (Supplementary Table 2, Okawa et al. 2023. PubMed ID: 36243179). This variant has not been reported in a large population database, indicating this variant is rare. This variant has conflicting interpretations regarding its pathogenicity in ClinVar, ranging from likely benign to uncertain. At this time, the clinical significance of this variant is uncertain due to the absence of conclusive functional and genetic evidence.

NM_001042492.3(NF1):c.7306G>A (p.Val2436Met)

Gene: NF1 (neurofibromin 1; plus strand). Cytogenetic location: 17q11.2.
Variant type: single nucleotide variant.
Coding change: c.7306G>A on transcript NM_001042492.3 (MANE Select); coding-DNA position 7306, G replaced by A.
Protein change: p.Val2436Met; replaces valine 2436 with methionine.
Molecular consequence: missense variant.
Genome position (GRCh38, 1-based): chr17:31,349,236, G>A. VCF-style: chr17-31349236-G-A. GRCh37 (hg19) VCF-style: chr17-29676254-G-A.
Other names: c.7243G>A, p.Val2415Met (NM_000267.4); short protein forms V2415M, V2436M.
Identifiers: ClinVar variation 232590 (VCV000232590.16), dbSNP rs876659856, ClinGen allele CA10580403.